The following is an entry in ClinVar:

NM_000138.5(FBN1):c.4583-12T>G

Gene: FBN1 (fibrillin 1; minus strand). Cytogenetic location: 15q21.1.
Variant type: single nucleotide variant.
Coding change: c.4583-12T>G on transcript NM_000138.5 (MANE Select); 12 bases into the intron before coding-DNA position 4583, T replaced by G.
Molecular consequence: intron variant.
Genome position (GRCh38, 1-based): chr15:48,468,114, A>C on the plus strand (T>G on the coding strand, the complement: FBN1 is on the minus strand). VCF-style: chr15-48468114-A-C. GRCh37 (hg19) VCF-style: chr15-48760311-A-C.
Other names: c.4583-12T>G (NM_001406716.1).
Identifiers: ClinVar variation 2953777 (VCV002953777.3), dbSNP rs1326100045, ClinGen allele CA2740096588.

ClinVar aggregate classification (germline): Uncertain significance (1 of 4 stars; one submission).

Conditions:
Marfan syndrome (MFS). Also called: MARFAN SYNDROME, TYPE I; Marfan syndrome type 1; Marfan's syndrome; Marfan syndrome, classic; FBN1-Related Marfan Syndrome. Identifiers: Orphanet 284963, Orphanet 558, MedGen C0024796, MONDO:0007947, OMIM 154700.
Familial thoracic aortic aneurysm and aortic dissection (TAAD). Also called: Thoracic aortic aneurysms and dissections. Identifiers: Orphanet 91387, MedGen C4707243, MONDO:0019625.

Submission:

Labcorp Genetics (formerly Invitae), Labcorp
Classification: Uncertain significance for Marfan syndrome; Familial thoracic aortic aneurysm and aortic dissection. Last evaluated: 2023-11-11. Review status: criteria provided, single submitter. Criteria: Invitae Variant Classification Sherloc (09022015). Collection method: clinical testing. Allele origin: germline.
Comment: This sequence change falls in intron 37 of the FBN1 gene. It does not directly change the encoded amino acid sequence of the FBN1 protein. This variant is not present in population databases (gnomAD no frequency). This variant has been observed in individual(s) with Marfan syndrome (Invitae). Algorithms developed to predict the effect of sequence changes on RNA splicing suggest that this variant may disrupt the consensus splice site. In summary, the available evidence is currently insufficient to determine the role of this variant in disease. Therefore, it has been classified as a Variant of Uncertain Significance.